The following is an entry in ClinVar:

NM_020366.4(RPGRIP1):c.3779T>A (p.Ile1260Lys)

Gene: RPGRIP1 (RPGR interacting protein 1; plus strand). Cytogenetic location: 14q11.2.
Variant type: single nucleotide variant.
Coding change: c.3779T>A on transcript NM_020366.4 (MANE Select); coding-DNA position 3779, T replaced by A.
Protein change: p.Ile1260Lys; replaces isoleucine 1260 with lysine.
Molecular consequence: missense variant.
Genome position (GRCh38, 1-based): chr14:21,351,134, T>A. VCF-style: chr14-21351134-T-A. GRCh37 (hg19) VCF-style: chr14-21819293-T-A.
Other names: c.1757T>A, p.Ile586Lys (NM_001377523.1, NM_001377950.1); c.2705T>A, p.Ile902Lys (NM_001377948.1); c.1865T>A, p.Ile622Lys (NM_001377949.1); c.1262T>A, p.Ile421Lys (NM_001377951.1); short protein forms I622K, I902K, I1260K, I586K, I421K.
Identifiers: ClinVar variation 938093 (VCV000938093.9), dbSNP rs752222755, ClinGen allele CA388858308.

ClinVar aggregate classification (germline): Uncertain significance (1 of 4 stars; one submission).

Conditions:
Cone-rod dystrophy 13 (CORD13). Identifiers: Orphanet 1872, MedGen C2750720, MONDO:0011987, OMIM 608194.
Leber congenital amaurosis 6 (LCA6). Identifiers: Orphanet 65, MedGen C1854260, MONDO:0013446, OMIM 613826.

gnomAD v4.1: 1 of 1,612,412 alleles (0.000062%); highest among the groups gnomAD compares: East Asian, 0.0022%; no homozygotes.

Submission:

Labcorp Genetics (formerly Invitae), Labcorp
Classification: Uncertain significance for Leber congenital amaurosis 6; Cone-rod dystrophy 13. Last evaluated: 2019-07-25. Review status: criteria provided, single submitter. Criteria: Invitae Variant Classification Sherloc (09022015). Collection method: clinical testing. Allele origin: germline.
Comment: In summary, the available evidence is currently insufficient to determine the role of this variant in disease. Therefore, it has been classified as a Variant of Uncertain Significance. Algorithms developed to predict the effect of missense changes on protein structure and function are either unavailable or do not agree on the potential impact of this missense change (SIFT: "Deleterious"; PolyPhen-2: "Probably Damaging"; Align-GVGD: "Class C0"). This variant has not been reported in the literature in individuals with RPGRIP1-related conditions. This variant is not present in population databases (ExAC no frequency). This sequence change replaces isoleucine with lysine at codon 1260 of the RPGRIP1 protein (p.Ile1260Lys). The isoleucine residue is moderately conserved and there is a moderate physicochemical difference between isoleucine and lysine.